The following is an entry in ClinVar:

ClinVar aggregate classification (germline): Pathogenic/Likely pathogenic. Review status: criteria provided, multiple submitters, no conflicts (2 of 4 stars). 6 submissions from 6 submitters: Pathogenic (2); Likely pathogenic (4). Last evaluated 2026-03-17.

Conditions:
ABCG8-related disorder. Also called: ABCG8-related condition.
Sitosterolemia 1. Identifiers: MedGen C2749759, MONDO:0020747, OMIM 210250.
Sitosterolemia (STSL). Also called: PHYTOSTEROLEMIA. Identifiers: Orphanet 2882, MedGen C0342907, MONDO:0008863.

Submissions (6):

PreventionGenetics, part of Exact Sciences
Classification: Likely pathogenic for ABCG8-related condition. Last evaluated: 2026-03-17. Review status: criteria provided, single submitter. Criteria: ACMG Guidelines, 2015. Collection method: clinical testing. Allele origin: germline.
Comment: The ABCG8 c.647_657dup11 variant is predicted to result in a frameshift and premature protein termination (p.Arg220Valfs*37). This variant has been reported with a second nonsense variant in an individual with sitosterolemia (Qian and Balady. 2025. doi:10.1016/j.jacl.2025.04.042). This variant is reported in 0.064% of alleles in individuals of Latino descent in gnomAD. Frameshift variants in ABCG8 are expected to be pathogenic. This variant is interpreted as likely pathogenic.

Labcorp Genetics (formerly Invitae), Labcorp
Classification: Pathogenic. Last evaluated: 2025-10-29. Review status: criteria provided, single submitter. Criteria: Invitae Variant Classification Sherloc (09022015). Collection method: clinical testing. Allele origin: germline.
Comment: This sequence change creates a premature translational stop signal (p.Arg220Valfs*37) in the ABCG8 gene. It is expected to result in an absent or disrupted protein product. Loss-of-function variants in ABCG8 are known to be pathogenic (PMID: 11452359, 15375183, 16029460). This variant is present in population databases (no rsID available, gnomAD 0.06%). This premature translational stop signal has been observed in individual(s) with ABCG8 (internal data). It has also been observed to segregate with disease in related individuals. ClinVar contains an entry for this variant (Variation ID: 501952). Algorithms developed to predict the effect of sequence changes on RNA splicing suggest that this variant may disrupt the consensus splice site. For these reasons, this variant has been classified as Pathogenic.

Revvity Omics, Revvity
Classification: Likely pathogenic for Sitosterolemia 1. Last evaluated: 2024-09-21. Review status: criteria provided, single submitter. Criteria: ACMG Guidelines, 2015. Collection method: clinical testing. Allele origin: germline.

Department of Pathology and Laboratory Medicine, Sinai Health System
Classification: Likely pathogenic for sitosterolemia. Last evaluated: 2022-11-29. Review status: criteria provided, single submitter. Criteria: ACMG Guidelines, 2015. Collection method: research. Allele origin: germline.

Blueprint Genetics
Classification: Likely pathogenic for ABCG8-related disorders. Last evaluated: 2020-12-21. Review status: criteria provided, single submitter. Criteria: ACMG Guidelines, 2015. Collection method: clinical testing. Allele origin: germline. Affected: yes. Observed: 3 variant alleles.

Eurofins Ntd Llc (ga)
Classification: Pathogenic. Last evaluated: 2017-05-08. Review status: criteria provided, single submitter. Criteria: EGL Classification Definitions 2015. Collection method: clinical testing. Allele origin: germline. Observed: 1 variant allele, 1 heterozygote.

Literature cited by the submitters: PubMed 11452359 (cited by Labcorp Genetics (formerly Invitae), Labcorp); PubMed 15375183 (cited by Labcorp Genetics (formerly Invitae), Labcorp); PubMed 16029460 (cited by Labcorp Genetics (formerly Invitae), Labcorp).

NM_022437.3(ABCG8):c.647_657dup (p.Arg220fs)

Gene: ABCG8 (ATP binding cassette subfamily G member 8; plus strand). Cytogenetic location: 2p21.
Variant type: Duplication.
Coding change: c.647_657dup on transcript NM_022437.3 (MANE Select); coding-DNA positions 647 to 657, 11 bases duplicated (GTGAGCGCAGG).
Protein change: p.Arg220fs; shifts the reading frame from arginine 220.
Molecular consequence: frameshift variant.
Genome position (GRCh38, 1-based): chr2:43,852,439-43,852,449, GTGAGCGCAGG duplicated; duplicating any 11 consecutive bases within chr2:43,852,437-43,852,449 gives the same sequence; the c. name uses the placement nearest the transcript's 3' end. VCF-style (leftmost placement, unchanged base first): chr2-43852436-G-GGGGTGAGCGCA. GRCh37 (hg19) VCF-style: chr2-44079575-G-GGGGTGAGCGCA.
Other names: c.647_657dup11 (NM_022437.2); c.647_657dup, p.Arg220fs (NM_001357321.2); c.647_657dupGTGAGCGCAGG (NM_022437.2); short protein forms R220fs.
Identifiers: ClinVar variation 501952 (VCV000501952.18), dbSNP rs1456237152, ClinGen allele CA532703063.